The following is an entry in ClinVar:

NM_001953.5(TYMP):c.58_59insAGACAGT (p.Gly20fs)

Gene: TYMP (thymidine phosphorylase; minus strand). Cytogenetic location: 22q13.33.
Variant type: Insertion.
Coding change: c.58_59insAGACAGT on transcript NM_001953.5 (MANE Select); coding-DNA positions 58 to 59, AGACAGT inserted.
Protein change: p.Gly20fs; shifts the reading frame from glycine 20.
Molecular consequence: frameshift variant.
Genome position: GRCh38 VCF-style: chr22-50529651-C-CACTGTCT. GRCh37 (hg19) VCF-style: chr22-50968080-C-CACTGTCT.
Other names: c.58_59insAGACAGT, p.Gly20fs (NM_001113755.3, NM_001113756.3, NM_001257988.1 and 1 more transcripts); short protein forms G20fs.
Identifiers: ClinVar variation 5010511 (VCV005010511.1).

ClinVar aggregate classification (germline): Pathogenic (1 of 4 stars; one submission).

Conditions:
Mitochondrial DNA depletion syndrome 1. Also called: POLIP SYNDROME; POLYNEUROPATHY, OPHTHALMOPLEGIA, LEUKOENCEPHALOPATHY, AND INTESTINAL PSEUDOOBSTRUCTION; Mitochondrial Neurogastrointestinal Encephalopathy Disease; MITOCHONDRIAL NEUROGASTROINTESTINAL ENCEPHALOPATHY SYNDROME, TYMP-RELATED; MNGIE, TYMP-RELATED; Mitochondrial neurogastrointestinal encephalomyopathy syndrome. Identifiers: Orphanet 298, MedGen C4551995, MONDO:0011283, OMIM 603041.

Submission:

Myriad Genetics, Inc.
Classification: Pathogenic for Mitochondrial DNA depletion syndrome 1. Last evaluated: 2026-03-19. Review status: criteria provided, single submitter. Criteria: Myriad Autosomal Dominant, Autosomal Recessive and X-Linked Classification Criteria (2023). Collection method: clinical testing. Allele origin: unknown.
Comment: NM_001953.4(TYMP):c.58_59ins7(G20Efs*106) is expected to be pathogenic in the context of mitochondrial neurogastrointestinal encephalopathy disease. This variant is predicted to lead to an abnormal or absent protein product due to the creation of a premature termination codon in TYMP, a gene where loss-of-function variants are known to be pathogenic. Please note: this variant was assessed in the context of healthy population screening.